The following is an entry in ClinVar:

NM_005026.5(PIK3CD):c.1792A>G (p.Lys598Glu)

Gene: PIK3CD (phosphatidylinositol-4,5-bisphosphate 3-kinase catalytic subunit delta; plus strand). Cytogenetic location: 1p36.22.
Variant type: single nucleotide variant.
Coding change: c.1792A>G on transcript NM_005026.5 (MANE Select); coding-DNA position 1792, A replaced by G.
Protein change: p.Lys598Glu; replaces lysine 598 with glutamic acid.
Molecular consequence: missense variant.
Genome position (GRCh38, 1-based): chr1:9,721,229, A>G. VCF-style: chr1-9721229-A-G. GRCh37 (hg19) VCF-style: chr1-9781287-A-G.
Other names: c.1789A>G, p.Lys597Glu (NM_001350234.2); c.1705A>G, p.Lys569Glu (NM_001350235.1); short protein forms K569E, K597E, K598E.
Identifiers: ClinVar variation 3619304 (VCV003619304.2).

ClinVar aggregate classification (germline): Uncertain significance (1 of 4 stars; one submission).

Conditions:
Immunodeficiency 14 (IMD14A). Also called: IMMUNODEFICIENCY 14A WITH LYMPHOPROLIFERATION, AUTOSOMAL DOMINANT; p110-DELTA-ACTIVATING MUTATION CAUSING SENESCENT T CELLS, LYMPHADENOPATHY, AND IMMUNODEFICIENCY; ACTIVATED PI3K-DELTA SYNDROME 1; Activated PI3K Delta Syndrome Type 1 (APDS1). Identifiers: Orphanet 397596, Orphanet 693661, MedGen C5907821, MONDO:0014222, OMIM 615513.

Submission:

Labcorp Genetics (formerly Invitae), Labcorp
Classification: Uncertain significance for Activated PI3K-delta syndrome. Last evaluated: 2024-06-16. Review status: criteria provided, single submitter. Criteria: Invitae Variant Classification Sherloc (09022015). Collection method: clinical testing. Allele origin: germline.
Comment: This sequence change replaces lysine, which is basic and polar, with glutamic acid, which is acidic and polar, at codon 598 of the PIK3CD protein (p.Lys598Glu). This variant is not present in population databases (gnomAD no frequency). This variant has not been reported in the literature in individuals affected with PIK3CD-related conditions. Advanced modeling of protein sequence and biophysical properties (such as structural, functional, and spatial information, amino acid conservation, physicochemical variation, residue mobility, and thermodynamic stability) performed at Invitae indicates that this missense variant is not expected to disrupt PIK3CD protein function with a negative predictive value of 80%. In summary, the available evidence is currently insufficient to determine the role of this variant in disease. Therefore, it has been classified as a Variant of Uncertain Significance.